The following is an entry in ClinVar:

NM_016298.4(FBXO40):c.702A>G (p.Ser234=)

Gene: FBXO40 (F-box protein 40; plus strand). Cytogenetic location: 3q13.33.
Variant type: single nucleotide variant.
Coding change: c.702A>G on transcript NM_016298.4 (MANE Select); coding-DNA position 702, A replaced by G.
Protein change: p.Ser234=; no amino-acid change (serine 234 retained).
Molecular consequence: synonymous variant.
Genome position (GRCh38, 1-based): chr3:121,622,131, A>G. VCF-style: chr3-121622131-A-G. GRCh37 (hg19) VCF-style: chr3-121340978-A-G.
Identifiers: ClinVar variation 2654066 (VCV002654066.24), dbSNP rs370367749, ClinGen allele CA2564425.
Genomic context (GRCh38, chr3:121,622,131, plus strand): 5'-GTTTGGCCAGTGGGAAAATATTTTCAGCAAAGAGCACGCAGCCTCTGCTTTAACAAATTC[A>G]TCAGCGAGCTGTGAGAGCAAGAACAAGAATGACTCCGAGAAAGAACAGATTTCCAGTGGC-3'
Protein context (NP_057382.2, residues 224-244): KEHAASALTN[Ser234=]SASCESKNKN

ClinVar aggregate classification (germline): Likely benign (1 of 4 stars; one submission).

Allele frequency attached by ClinVar (database versions not stated): ESP Exome Variant Server 0.00008; TOPMed 0.00019; gnomAD 0.00021; gnomAD exomes 0.00025; ExAC 0.00027.
gnomAD v4.1: 395 of 1,614,088 alleles (0.024%); highest among the groups gnomAD compares: Non-Finnish European, 0.031%; 1 homozygote.

Submission:

CeGaT Center for Human Genetics Tuebingen
Classification: Likely benign. Last evaluated: 2023-02-01. Review status: criteria provided, single submitter. Criteria: CeGaT Center For Human Genetics Tuebingen Variant Classification Criteria Version 2. Collection method: clinical testing. Allele origin: germline. Affected: yes. Observed: 1 variant allele.
Comment: FBXO40: BP4, BP7